The following is an entry in ClinVar:

NM_001378454.1(ALMS1):c.8674_8678del (p.Lys2892fs)

Gene: ALMS1 (ALMS1 centrosome and basal body associated protein; plus strand). Cytogenetic location: 2p13.1.
Variant type: Microsatellite.
Coding change: c.8674_8678del on transcript NM_001378454.1 (MANE Select); coding-DNA positions 8674 to 8678, 5 bases deleted (AAAGC; older notation c.8674_8678delAAAGC).
Protein change: p.Lys2892fs; shifts the reading frame from lysine 2892.
Molecular consequence: frameshift variant.
Genome position (GRCh38, 1-based): chr2:73,490,633-73,490,637, AAAGC deleted; deleting any 5 consecutive bases within chr2:73,490,627-73,490,637 gives the same sequence; the c. name uses the placement nearest the transcript's 3' end. VCF-style (leftmost placement, unchanged base first): chr2-73490626-ACAAAG-A. GRCh37 (hg19) VCF-style: chr2-73717753-ACAAAG-A.
Other names: c.8677_8681del, p.Lys2893fs (NM_015120.4); c.8677_8681delAAAGC (NM_015120.4); short protein forms K2892fs, K2893fs.
Identifiers: ClinVar variation 2561871 (VCV002561871.6), dbSNP rs2466216995, ClinGen allele CA2580611327.

ClinVar aggregate classification (germline): Pathogenic/Likely pathogenic. Review status: criteria provided, multiple submitters, no conflicts (2 of 4 stars). 3 submissions from 3 submitters: Pathogenic (2); Likely pathogenic (1). Last evaluated 2025-07-07.

Conditions:
Alstrom syndrome (ALMS). Identifiers: Orphanet 64, MedGen C0268425, MONDO:0008763, OMIM 203800.
Cardiovascular phenotype. Identifiers: MedGen CN230736.

Submissions (3):

Natera, Inc.
Classification: Likely pathogenic for Alstrom syndrome. Last evaluated: 2025-07-07. Review status: criteria provided, single submitter. Criteria: Natera Variant Classification Schema (03/2026). Collection method: clinical testing. Allele origin: germline.
Comment: The c.8677_8681delAAAGC variant in ALMS1 is a frameshift variant predicted to shift the reading frame beginning at codon 2893 and leads to a stop codon 5 codons downstream. This variant is expected to result in nonsense mediated decay, truncation, or a dysfunctional protein product. This variant is rare in the general population with a frequency below the threshold expected for the associated phenotype(s). Given the available evidence, this variant is classified as Likely Pathogenic.

Labcorp Genetics (formerly Invitae), Labcorp
Classification: Pathogenic for Alstrom syndrome. Last evaluated: 2023-09-15. Review status: criteria provided, single submitter. Criteria: Invitae Variant Classification Sherloc (09022015). Collection method: clinical testing. Allele origin: germline.
Comment: For these reasons, this variant has been classified as Pathogenic. ClinVar contains an entry for this variant (Variation ID: 2561871). This variant has not been reported in the literature in individuals affected with ALMS1-related conditions. This variant is not present in population databases (gnomAD no frequency). This sequence change creates a premature translational stop signal (p.Lys2893Profs*5) in the ALMS1 gene. It is expected to result in an absent or disrupted protein product. Loss-of-function variants in ALMS1 are known to be pathogenic (PMID: 17594715).

Ambry Genetics
Classification: Pathogenic for Cardiovascular phenotype. Last evaluated: 2023-03-16. Review status: criteria provided, single submitter. Criteria: Ambry Variant Classification Scheme 2023. Collection method: clinical testing. Allele origin: germline.
Comment: The c.8677_8681delAAAGC pathogenic mutation, located in coding exon 10 of the ALMS1 gene, results from a deletion of 5 nucleotides at nucleotide positions 8677 to 8681, causing a translational frameshift with a predicted alternate stop codon (p.K2893Pfs*5). This variant is considered to be rare based on population cohorts in the Genome Aggregation Database (gnomAD). This alteration is expected to result in loss of function by premature protein truncation or nonsense-mediated mRNA decay. As such, this alteration is interpreted as a disease-causing mutation.

Literature cited by the submitters: PubMed 17594715 (cited by Labcorp Genetics (formerly Invitae), Labcorp).